The following is an entry in ClinVar:

NM_016219.5(MAN1B1):c.1474G>C (p.Glu492Gln)

Gene: MAN1B1 (mannosidase alpha class 1B member 1; plus strand). Cytogenetic location: 9q34.3.
Variant type: single nucleotide variant.
Coding change: c.1474G>C on transcript NM_016219.5 (MANE Select); coding-DNA position 1474, G replaced by C.
Protein change: p.Glu492Gln; replaces glutamic acid 492 with glutamine.
Molecular consequence: missense variant. On other transcripts: non-coding transcript variant (2).
Genome position (GRCh38, 1-based): chr9:137,106,717, G>C. VCF-style: chr9-137106717-G-C. GRCh37 (hg19) VCF-style: chr9-140001169-G-C.
Other names: short protein forms E492Q.
Identifiers: ClinVar variation 998547 (VCV000998547.11), dbSNP rs775259244, ClinGen allele CA201698429.

ClinVar aggregate classification (germline): Uncertain significance. Review status: criteria provided, multiple submitters, no conflicts (2 of 4 stars). 2 submissions from 2 submitters: Uncertain significance (2). Last evaluated 2022-08-20.

Conditions:
Rafiq syndrome (RAFQS). Identifiers: Orphanet 88616, MedGen C3280127, MONDO:0013624, OMIM 614202.
Inborn genetic diseases. Identifiers: MedGen C0950123, MeSH D030342.

Allele frequency attached by ClinVar (database versions not stated): TOPMed 0.00002.
gnomAD v4.1: 11 of 1,613,408 alleles (0.00068%); highest among the groups gnomAD compares: Non-Finnish European, 0.00093%; no homozygotes.

Submissions (2):

Labcorp Genetics (formerly Invitae), Labcorp
Classification: Uncertain significance for Rafiq syndrome. Last evaluated: 2022-08-20. Review status: criteria provided, single submitter. Criteria: Invitae Variant Classification Sherloc (09022015). Collection method: clinical testing. Allele origin: germline.
Comment: This variant is present in population databases (no rsID available, gnomAD 0.002%). This sequence change replaces glutamic acid, which is acidic and polar, with glutamine, which is neutral and polar, at codon 492 of the MAN1B1 protein (p.Glu492Gln). This variant has not been reported in the literature in individuals affected with MAN1B1-related conditions. In summary, the available evidence is currently insufficient to determine the role of this variant in disease. Therefore, it has been classified as a Variant of Uncertain Significance. Algorithms developed to predict the effect of missense changes on protein structure and function output the following: SIFT: "Deleterious"; PolyPhen-2: "Benign"; Align-GVGD: "Class C0". The glutamine amino acid residue is found in multiple mammalian species, which suggests that this missense change does not adversely affect protein function. ClinVar contains an entry for this variant (Variation ID: 998547).

Ambry Genetics
Classification: Uncertain significance for Inborn genetic diseases. Last evaluated: 2020-03-17. Review status: criteria provided, single submitter. Criteria: Ambry Variant Classification Scheme 2023. Collection method: clinical testing. Allele origin: germline.
Comment: The p.E492Q variant (also known as c.1474G>C), located in coding exon 10 of the MAN1B1 gene, results from a G to C substitution at nucleotide position 1474. The glutamic acid at codon 492 is replaced by glutamine, an amino acid with highly similar properties. This amino acid position is not well conserved in available vertebrate species. In addition, this alteration is predicted to be tolerated by in silico analysis. Since supporting evidence is limited at this time, the clinical significance of this alteration remains unclear.